The following is an entry in ClinVar:

NM_003073.5(SMARCB1):c.710T>G (p.Ile237Ser)

Gene: SMARCB1 (SWI/SNF related BAF chromatin remodeling complex subunit B1; plus strand). Cytogenetic location: 22q11.23.
Variant type: single nucleotide variant.
Coding change: c.710T>G on transcript NM_003073.5 (MANE Select); coding-DNA position 710, T replaced by G.
Protein change: p.Ile237Ser; replaces isoleucine 237 with serine.
Molecular consequence: missense variant.
Genome position (GRCh38, 1-based): chr22:23,816,851, T>G. VCF-style: chr22-23816851-T-G. GRCh37 (hg19) VCF-style: chr22-24159038-T-G.
Other names: c.710T>G (NM_003073.3); c.683T>G, p.Ile228Ser (NM_001007468.3); c.737T>G, p.Ile246Ser (NM_001317946.2); c.764T>G, p.Ile255Ser (NM_001362877.2); short protein forms I246S, I255S, I228S, I237S.
Identifiers: ClinVar variation 1407743 (VCV001407743.9), dbSNP rs2146009925, ClinGen allele CA410901453.
Genomic context (GRCh38, chr22:23,816,851, plus strand): 5'-TGTTTTCAGAAATCCTCTGTGACGATCTGGATTTGAACCCGCTGACGTTTGTGCCAGCCA[T>G]CGCCTCTGCCATCAGACAGCAGATCGAGTCCTACCCCACGGACAGCATCCTGGAGGACCA-3'
Protein context (NP_003064.2, residues 227-247): DLNPLTFVPA[Ile237Ser]ASAIRQQIES

ClinVar aggregate classification (germline): Uncertain significance. Review status: criteria provided, multiple submitters, no conflicts (2 of 4 stars). 3 submissions from 3 submitters: Uncertain significance (3). Last evaluated 2026-05-14.

Conditions:
Intellectual disability, autosomal dominant 15 (CSS3). Also called: COFFIN-SIRIS SYNDROME 3. Identifiers: Orphanet 1465, MedGen C3553248, MONDO:0013820, OMIM 614608.
Hereditary cancer-predisposing syndrome. Also called: Tumor predisposition; Neoplastic Syndromes, Hereditary; Hereditary Cancer Syndrome; Hereditary neoplastic syndrome. Identifiers: Orphanet 140162, MedGen C0027672, MeSH D009386, MONDO:0015356.

Submissions (3):

Ambry Genetics
Classification: Uncertain significance for Hereditary cancer-predisposing syndrome. Last evaluated: 2026-05-14. Review status: criteria provided, single submitter. Criteria: Ambry Variant Classification Scheme 2023. Collection method: clinical testing. Allele origin: germline.
Comment: The p.I237S variant (also known as c.710T>G), located in coding exon 6 of the SMARCB1 gene, results from a T to G substitution at nucleotide position 710. The isoleucine at codon 237 is replaced by serine, an amino acid with dissimilar properties. This amino acid position is conserved. In addition, this alteration is predicted to be deleterious by in silico analysis. Based on the available evidence, the clinical significance of this variant remains unclear.

Labcorp Genetics (formerly Invitae), Labcorp
Classification: Uncertain significance. Last evaluated: 2024-02-02. Review status: criteria provided, single submitter. Criteria: Invitae Variant Classification Sherloc (09022015). Collection method: clinical testing. Allele origin: germline.
Comment: This sequence change replaces isoleucine, which is neutral and non-polar, with serine, which is neutral and polar, at codon 237 of the SMARCB1 protein (p.Ile237Ser). This variant is not present in population databases (gnomAD no frequency). This variant has not been reported in the literature in individuals affected with SMARCB1-related conditions. ClinVar contains an entry for this variant (Variation ID: 1407743). Advanced modeling of protein sequence and biophysical properties (such as structural, functional, and spatial information, amino acid conservation, physicochemical variation, residue mobility, and thermodynamic stability) performed at Invitae indicates that this missense variant is expected to disrupt SMARCB1 protein function with a positive predictive value of 80%. In summary, the available evidence is currently insufficient to determine the role of this variant in disease. Therefore, it has been classified as a Variant of Uncertain Significance.

Revvity Omics, Revvity
Classification: Uncertain significance for Intellectual disability, autosomal dominant 15. Last evaluated: 2024-01-11. Review status: criteria provided, single submitter. Criteria: ACMG Guidelines, 2015. Collection method: clinical testing. Allele origin: germline.